The following is an entry in ClinVar:

ClinVar aggregate classification (germline): Uncertain significance (1 of 4 stars; one submission).

Submission:

GeneDx
Classification: Uncertain significance. Last evaluated: 2025-07-08. Review status: criteria provided, single submitter. Criteria: GeneDx Variant Classification Process June 2021. Collection method: clinical testing. Allele origin: germline. Affected: yes.
Comment: Not observed at significant frequency in large population cohorts (gnomAD); In-frame deletion of 1 amino acid(s) in a non-repeat region; In silico analysis suggests that this variant does not alter protein structure/function; Has not been previously published as pathogenic or benign to our knowledge

NM_001348716.2(KDM6B):c.4908+34_4908+36del

Gene: KDM6B (lysine demethylase 6B; plus strand). Cytogenetic location: 17p13.1.
Variant type: Microsatellite.
Coding change: c.4908+34_4908+36del on transcript NM_001348716.2 (MANE Select); bases 34 to 36 of the intron after coding-DNA position 4908, 3 bases deleted (AGG; older notation c.4908+34_4908+36delAGG).
Molecular consequence: intron variant. On other transcripts: inframe deletion (1).
Genome position (GRCh38, 1-based): chr17:7,853,414-7,853,416, AGG deleted; deleting any 3 consecutive bases within chr17:7,853,409-7,853,416 gives the same sequence; the c. name uses the placement nearest the transcript's 3' end. VCF-style (leftmost placement, unchanged base first): chr17-7853408-CGGA-C. GRCh37 (hg19) VCF-style: chr17-7756726-CGGA-C.
Other names: c.4939AGG[1], p.Arg1648del (NM_001080424.2); short protein forms R1648del.
Identifiers: ClinVar variation 4685076 (VCV004685076.1).